The following is an entry in ClinVar:

ClinVar aggregate classification (germline): Uncertain significance. Review status: criteria provided, multiple submitters, no conflicts (2 of 4 stars). 2 submissions from 2 submitters: Uncertain significance (2). Last evaluated 2024-11-27.

Conditions:
Leber congenital amaurosis 1 (LCA1). Also called: Congenital absence of the rods and cones; Leber's congenital tapetoretinal degeneration; Leber's congenital tapetoretinal dysplasia; RETINAL BLINDNESS, CONGENITAL; AMAUROSIS CONGENITA OF LEBER I. Identifiers: Orphanet 65, MedGen C2931258, MONDO:0008764, OMIM 204000.
Cone-rod dystrophy 6 (CORD6). Also called: Cone dystrophy progressive; RETINAL CONE DYSTROPHY 2. Identifiers: Orphanet 1872, MedGen C1866293, MONDO:0011143, OMIM 601777.

Allele frequency attached by ClinVar (database versions not stated): TOPMed below 0.00001; gnomAD 0.00001.
gnomAD v4.1: 15 of 1,613,622 alleles (0.00093%); highest among the groups gnomAD compares: South Asian, 0.0011%; no homozygotes.

Submissions (2):

Blueprint Genetics
Classification: Uncertain significance. Last evaluated: 2024-11-27. Review status: criteria provided, single submitter. Criteria: ACMG Guidelines, 2015. Collection method: clinical testing. Allele origin: germline.

Labcorp Genetics (formerly Invitae), Labcorp
Classification: Uncertain significance for Leber congenital amaurosis 1; Cone-rod dystrophy 6. Last evaluated: 2021-12-12. Review status: criteria provided, single submitter. Criteria: Invitae Variant Classification Sherloc (09022015). Collection method: clinical testing. Allele origin: germline.
Comment: This sequence change replaces histidine, which is basic and polar, with arginine, which is basic and polar, at codon 967 of the GUCY2D protein (p.His967Arg). This variant is present in population databases (no rsID available, gnomAD 0.03%). This variant has not been reported in the literature in individuals affected with GUCY2D-related conditions. Advanced modeling of protein sequence and biophysical properties (such as structural, functional, and spatial information, amino acid conservation, physicochemical variation, residue mobility, and thermodynamic stability) performed at Invitae indicates that this missense variant is expected to disrupt GUCY2D protein function. Algorithms developed to predict the effect of sequence changes on RNA splicing suggest that this variant may create or strengthen a splice site. In summary, the available evidence is currently insufficient to determine the role of this variant in disease. Therefore, it has been classified as a Variant of Uncertain Significance.

NM_000180.4(GUCY2D):c.2900A>G (p.His967Arg)

Gene: GUCY2D (guanylate cyclase 2D, retinal; plus strand). Cytogenetic location: 17p13.1.
Variant type: single nucleotide variant.
Coding change: c.2900A>G on transcript NM_000180.4 (MANE Select); coding-DNA position 2900, A replaced by G.
Protein change: p.His967Arg; replaces histidine 967 with arginine.
Molecular consequence: missense variant.
Genome position (GRCh38, 1-based): chr17:8,015,458, A>G. VCF-style: chr17-8015458-A-G. GRCh37 (hg19) VCF-style: chr17-7918776-A-G.
Other names: short protein forms H967R.
Identifiers: ClinVar variation 2171171 (VCV002171171.2), dbSNP rs1274096103, ClinGen allele CA397954837.
Genomic context (GRCh38, chr17:8,015,458, plus strand): 5'-CAGAGATCGCCAACATGTCACTGGACATCCTCAGTGCCGTGGGCACTTTCCGCATGCGCC[A>G]TATGCCTGAGGTTCCCGTGCGCATCCGCATAGGCCTGCACTCGGGTAACTCCCGGGTCTT-3'
Protein context (NP_000171.1, residues 957-977): LSAVGTFRMR[His967Arg]MPEVPVRIRI